The following is an entry in ClinVar:

ClinVar aggregate classification (germline): Uncertain significance (1 of 4 stars; one submission).

Submission:

Women's Health and Genetics/Laboratory Corporation of America, LabCorp
Classification: Uncertain significance. Last evaluated: 2026-06-25. Review status: criteria provided, single submitter. Criteria: LabCorp Variant Classification Summary - May 2015. Collection method: clinical testing. Allele origin: germline.
Comment: Variant summary: DCC c.4111+4_4111+8dupAAGTA alters a nucleotide located close to a canonical splice site and therefore could affect mRNA splicing, leading to a significantly altered protein sequence. Consensus agreement among computation tools predict no significant impact on normal splicing. However, these predictions have yet to be confirmed by functional studies. The variant allele was found at a frequency of 2.4e-05 in 251406 control chromosomes. The available data on variant occurrences in the general population are insufficient to allow any conclusion about variant significance. To our knowledge, no occurrence of c.4111+4_4111+8dupAAGTA in individuals affected with DCC-related conditions and no experimental evidence demonstrating its impact on protein function have been reported. No submitters have cited clinical-significance assessments for this variant to ClinVar. Based on the evidence outlined above, the variant was classified as uncertain significance.

NM_005215.4(DCC):c.4111+4_4111+8dup

Gene: DCC (DCC netrin 1 receptor; plus strand). Cytogenetic location: 18q21.2.
Variant type: Duplication.
Coding change: c.4111+4_4111+8dup on transcript NM_005215.4 (MANE Select); bases 4 to 8 of the intron after coding-DNA position 4111, 5 bases duplicated (AAGTA; older notation c.4111+4_4111+8dupAAGTA).
Molecular consequence: splice donor variant.
Genome position (GRCh38, 1-based): chr18:53,499,514-53,499,518, AAGTA duplicated; duplicating any 5 consecutive bases within chr18:53,499,511-53,499,518 gives the same sequence; the c. name uses the placement nearest the transcript's 3' end. VCF-style (leftmost placement, unchanged base first): chr18-53499510-G-GGTAAA. GRCh37 (hg19) VCF-style: chr18-51025880-G-GGTAAA.
Other names: c.4111+4_4111+8dupAAGTA (NM_005215.4).
Identifiers: ClinVar variation 4887686 (VCV004887686.1).
Genomic context (GRCh38, chr18:53,499,510, plus strand): 5'-CCTCCACCAATGAGTGCAATAGAACCGAAAGTCCCTTACACACCACTTTTGTCTCAGCCA[G>GGTAAA]GTAAAGTACTCGGTTGTTCACCTTTAAAATTCTTATTATTATTGGTGCCTCTATTTAAGT-3'